The following is an entry in ClinVar:

ClinVar aggregate classification (germline): Uncertain significance (1 of 4 stars; one submission).

Allele frequency attached by ClinVar (database versions not stated): gnomAD exomes below 0.00001.
gnomAD v4.1: 1 of 1,597,706 alleles (0.000063%); highest among the groups gnomAD compares: South Asian, 0.0011%; no homozygotes.

Submission:

Labcorp Genetics (formerly Invitae), Labcorp
Classification: Uncertain significance. Last evaluated: 2022-02-04. Review status: criteria provided, single submitter. Criteria: Invitae Variant Classification Sherloc (09022015). Collection method: clinical testing. Allele origin: germline.
Comment: In summary, the available evidence is currently insufficient to determine the role of this variant in disease. Therefore, it has been classified as a Variant of Uncertain Significance. Algorithms developed to predict the effect of missense changes on protein structure and function are either unavailable or do not agree on the potential impact of this missense change (SIFT: "Tolerated"; PolyPhen-2: "Probably Damaging"; Align-GVGD: "Class C0"). ClinVar contains an entry for this variant (Variation ID: 642899). This variant has not been reported in the literature in individuals affected with SZT2-related conditions. This variant is not present in population databases (gnomAD no frequency). This sequence change replaces lysine, which is basic and polar, with glutamic acid, which is acidic and polar, at codon 709 of the SZT2 protein (p.Lys709Glu).

NM_001365999.1(SZT2):c.2125A>G (p.Lys709Glu)

Gene: SZT2 (SZT2 subunit of KICSTOR complex; plus strand). Cytogenetic location: 1p34.2.
Variant type: single nucleotide variant.
Coding change: c.2125A>G on transcript NM_001365999.1 (MANE Select); coding-DNA position 2125, A replaced by G.
Protein change: p.Lys709Glu; replaces lysine 709 with glutamic acid.
Molecular consequence: missense variant.
Genome position (GRCh38, 1-based): chr1:43,423,186, A>G. VCF-style: chr1-43423186-A-G. GRCh37 (hg19) VCF-style: chr1-43888857-A-G.
Other names: c.2125A>G, p.Lys709Glu (NM_015284.4); short protein forms K709E.
Identifiers: ClinVar variation 642899 (VCV000642899.8), dbSNP rs1570633546, ClinGen allele CA340011143.
Genomic context (GRCh38, chr1:43,423,186, plus strand): 5'-CTGCGGCTGCGTTTCCCCCACCGGGTACAAAGCAAGGAGCCAACGCCCAAGGTGAAACGA[A>G]AAGGGCTAGGGGGTGCTGGTGGGGGCAGCTCTCCCTCCAAGTCACCCCCCGTGCTGGGGC-3'
Protein context (NP_001352928.1, residues 699-719): SKEPTPKVKR[Lys709Glu]GLGGAGGGSS